The following is an entry in ClinVar:

ClinVar aggregate classification (germline): Uncertain significance. Review status: criteria provided, multiple submitters, no conflicts (2 of 4 stars). 2 submissions from 2 submitters: Uncertain significance (2). Last evaluated 2024-01-17.

Conditions:
Familial hypocalciuric hypercalcemia (FHH). Also called: Familial benign hypercalcemia. Identifiers: Orphanet 405, MedGen C1809471, MONDO:0018458.
Autosomal dominant hypocalcemia 1 (HYPOC1). Also called: HYPOCALCEMIA, FAMILIAL. Identifiers: MedGen C3715128, MONDO:0011013, OMIM 601198.
Epilepsy, idiopathic generalized, susceptibility to, 8. Identifiers: MedGen C2752062, MONDO:0013032, OMIM 612899.
Neonatal severe primary hyperparathyroidism. Identifiers: Orphanet 417, MedGen C1832615, MONDO:0009397, OMIM 239200.
Familial hypocalciuric hypercalcemia 1. Also called: Hypercalcemia, familial benign type 1. Identifiers: Orphanet 405, Orphanet 93372, MedGen C0342637, MONDO:0007791, OMIM 145980.

gnomAD v4.1: 3 of 1,613,290 alleles (0.00019%); highest among the groups gnomAD compares: South Asian, 0.0011%; no homozygotes.

Submissions (2):

Fulgent Genetics
Classification: Uncertain significance for Familial hypocalciuric hypercalcemia 1; Neonatal severe primary hyperparathyroidism; Autosomal dominant hypocalcemia 1; Epilepsy, idiopathic generalized, susceptibility to, 8. Last evaluated: 2024-01-17. Review status: criteria provided, single submitter. Criteria: ACMG Guidelines, 2015. Collection method: clinical testing. Allele origin: germline.

Labcorp Genetics (formerly Invitae), Labcorp
Classification: Uncertain significance for Familial hypocalciuric hypercalcemia; Autosomal dominant hypocalcemia 1. Last evaluated: 2023-08-17. Review status: criteria provided, single submitter. Criteria: Invitae Variant Classification Sherloc (09022015). Collection method: clinical testing. Allele origin: germline.
Comment: In summary, the available evidence is currently insufficient to determine the role of this variant in disease. Therefore, it has been classified as a Variant of Uncertain Significance. Algorithms developed to predict the effect of missense changes on protein structure and function output the following: SIFT: "Not Available"; PolyPhen-2: "Benign"; Align-GVGD: "Not Available". The tyrosine amino acid residue is found in multiple mammalian species, which suggests that this missense change does not adversely affect protein function. ClinVar contains an entry for this variant (Variation ID: 851352). This variant has not been reported in the literature in individuals affected with CASR-related conditions. This variant is not present in population databases (gnomAD no frequency). This sequence change replaces cysteine, which is neutral and slightly polar, with tyrosine, which is neutral and polar, at codon 7 of the CASR protein (p.Cys7Tyr).

NM_000388.4(CASR):c.20G>A (p.Cys7Tyr)

Gene: CASR (calcium sensing receptor; plus strand). Cytogenetic location: 3q21.1.
Variant type: single nucleotide variant.
Coding change: c.20G>A on transcript NM_000388.4 (MANE Select); coding-DNA position 20, G replaced by A.
Protein change: p.Cys7Tyr; replaces cysteine 7 with tyrosine.
Molecular consequence: missense variant.
Genome position (GRCh38, 1-based): chr3:122,254,209, G>A. VCF-style: chr3-122254209-G-A. GRCh37 (hg19) VCF-style: chr3-121973056-G-A.
Other names: c.20G>A, p.Cys7Tyr (NM_001178065.2); short protein forms C7Y.
Identifiers: ClinVar variation 851352 (VCV000851352.11), dbSNP rs2074528024, ClinGen allele CA354361959.